The following is an entry in ClinVar:

NM_031844.3(HNRNPU):c.1817_1822delinsACTATAG (p.Val606fs)

Gene: HNRNPU (heterogeneous nuclear ribonucleoprotein U; minus strand). Cytogenetic location: 1q44.
Variant type: Indel.
Coding change: c.1817_1822delinsACTATAG on transcript NM_031844.3 (MANE Select); coding-DNA positions 1817 to 1822, TTTGCC replaced by ACTATAG.
Protein change: p.Val606fs; shifts the reading frame from valine 606.
Molecular consequence: frameshift variant.
Genome position (GRCh38, 1-based): chr1:244,856,547-244,856,552, GGCAAA replaced by CTATAGT on the plus strand (TTTGCC replaced by ACTATAG on the coding strand, the reverse complement: HNRNPU is on the minus strand). VCF-style: chr1-244856547-GGCAAA-CTATAGT. GRCh37 (hg19) VCF-style: chr1-245019849-GGCAAA-CTATAGT.
Other names: c.1760_1765delinsACTATAG, p.Val587fs (NM_004501.3); short protein forms V587fs, V606fs.
Identifiers: ClinVar variation 3778756 (VCV003778756.1).
Genomic context (GRCh38, chr1:244,856,547, plus strand): 5'-GGTCTTTCCCCTCTACTTCTGCTTTCTTCTGTGTTCTTTGCTTATAGTCTTCATCTTTTG[GGCAAA>CTATAGT]CTACAACAGCTTTTCGCTGGAAGCCTGCAAACAGGCACATTTTTCTCCTCTGGGCAGCAG-3'

ClinVar aggregate classification (germline): Pathogenic (1 of 4 stars; one submission).

Conditions:
Developmental and epileptic encephalopathy, 54. Also called: Epileptic encephalopathy, early infantile, 54; HNRNPU-Related Neurodevelopmental Disorder. Identifiers: MedGen C4479319, MONDO:0033363, OMIM 617391.

Submission:

Institute of Human Genetics, University of Leipzig Medical Center
Classification: Pathogenic for Developmental and epileptic encephalopathy, 54. Last evaluated: 2025-03-26. Review status: criteria provided, single submitter. Criteria: ACMG Guidelines, 2015. Collection method: clinical testing. Allele origin: unknown. Inheritance: Autosomal dominant inheritance. Affected: yes.
Comment: Criteria applied: PVS1,PM2